The following is an entry in ClinVar:

NM_053025.4(MYLK):c.1507C>T (p.Gln503Ter)

Gene: MYLK (myosin light chain kinase; minus strand). Cytogenetic location: 3q21.1.
Variant type: single nucleotide variant.
Coding change: c.1507C>T on transcript NM_053025.4 (MANE Select); coding-DNA position 1507, C replaced by T.
Protein change: p.Gln503Ter; replaces glutamine 503 with a stop codon.
Molecular consequence: nonsense. On other transcripts: intron variant (2).
Genome position (GRCh38, 1-based): chr3:123,732,905, G>A on the plus strand (C>T on the coding strand, the complement: MYLK is on the minus strand). VCF-style: chr3-123732905-G-A. GRCh37 (hg19) VCF-style: chr3-123451752-G-A.
Other names: c.979C>T, p.Gln327Ter (NM_001321309.2); c.1507C>T, p.Gln503Ter (NM_053027.4); c.1309+782C>T (NM_053028.4, NM_053026.4); short protein forms Q503*, Q327*.
Identifiers: ClinVar variation 4779121 (VCV004779121.1).

ClinVar aggregate classification (germline): Uncertain significance (1 of 4 stars; one submission).

Conditions:
Aortic aneurysm, familial thoracic 7 (AAT7). Also called: AORTIC DISSECTION, FAMILIAL, WITH OR WITHOUT AORTIC ANEURYSM. Identifiers: MedGen C3151077, MONDO:0013418, OMIM 613780.

gnomAD v4.1: 1 of 1,614,014 alleles (0.000062%); highest among the groups gnomAD compares: Non-Finnish European, 0.000085%; no homozygotes.

Submission:

Labcorp Genetics (formerly Invitae), Labcorp
Classification: Uncertain significance for Aortic aneurysm, familial thoracic 7. Last evaluated: 2025-08-20. Review status: criteria provided, single submitter. Criteria: Invitae Variant Classification Sherloc (09022015). Collection method: clinical testing. Allele origin: germline.
Comment: This sequence change creates a premature translational stop signal (p.Gln503*) in the MYLK gene. This variant occurs in the long isoform of MYLK (PMID: 21055718). The current clinical and genetic evidence is not sufficient to establish whether loss-of-function variants in the long isoform of MYLK cause disease. This variant is not present in population databases (gnomAD no frequency). This variant has not been reported in the literature in individuals affected with MYLK-related conditions. In summary, the available evidence is currently insufficient to determine the role of this variant in disease. Therefore, it has been classified as a Variant of Uncertain Significance.

Literature cited by the submitters: PubMed 21055718.